The following is an entry in ClinVar:

NM_000038.6(APC):c.3290A>T (p.Glu1097Val)

Gene: APC (APC regulator of Wnt signaling pathway; plus strand). Cytogenetic location: 5q22.2.
Variant type: single nucleotide variant.
Coding change: c.3290A>T on transcript NM_000038.6 (MANE Select); coding-DNA position 3290, A replaced by T.
Protein change: p.Glu1097Val; replaces glutamic acid 1097 with valine.
Molecular consequence: missense variant. On other transcripts: non-coding transcript variant (2).
Genome position (GRCh38, 1-based): chr5:112,838,884, A>T. VCF-style: chr5-112838884-A-T. GRCh37 (hg19) VCF-style: chr5-112174581-A-T.
Other names: c.3344A>T, p.Glu1115Val (NM_001407447.1, NM_001407448.1, NM_001407449.1 and 1 more transcripts); c.3290A>T, p.Glu1097Val (NM_001407450.1, NM_001127510.3, NM_001354895.2); c.3269A>T, p.Glu1090Val (NM_001407451.1); c.3260A>T, p.Glu1087Val (NM_001407452.1); c.3113A>T, p.Glu1038Val (NM_001407453.1, NM_001354901.2); c.3041A>T, p.Glu1014Val (NM_001407454.1, NM_001407455.1, NM_001407456.1 and 1 more transcripts); c.2987A>T, p.Glu996Val (NM_001407458.1, NM_001407459.1, NM_001407460.1 and 1 more transcripts); c.2903A>T, p.Glu968Val (NM_001407467.1, NM_001407469.1); and 11 more; short protein forms E1006V, E1014V, E1072V, E1079V, E1097V, E1125V, E713V, E1069V.
Identifiers: ClinVar variation 5025034 (VCV005025034.1).

ClinVar aggregate classification (germline): Uncertain significance (1 of 4 stars; one submission).

Conditions:
Hereditary cancer-predisposing syndrome. Also called: Neoplastic Syndromes, Hereditary; Tumor predisposition; Hereditary neoplastic syndrome; Hereditary Cancer Syndrome. Identifiers: Orphanet 140162, MedGen C0027672, MeSH D009386, MONDO:0015356.

Submission:

Ambry Genetics
Classification: Uncertain significance for Hereditary cancer-predisposing syndrome. Last evaluated: 2026-07-06. Review status: criteria provided, single submitter. Criteria: Ambry Variant Classification Scheme 2023. Collection method: clinical testing. Allele origin: germline.
Comment: The p.E1097V variant (also known as c.3290A>T), located in coding exon 15 of the APC gene, results from an A to T substitution at nucleotide position 3290. The glutamic acid at codon 1097 is replaced by valine, an amino acid with dissimilar properties. This amino acid position is conserved. In addition, in silico predictors for this gene do not accurately predict pathogenicity. Based on the available evidence, the clinical significance of this variant remains unclear.